The following is an entry in ClinVar:

NM_000550.3(TYRP1):c.1422T>C (p.Ser474=)

Genes: LURAP1L-AS1 (LURAP1L antisense RNA 1; minus strand), TYRP1 (tyrosinase related protein 1; plus strand). Cytogenetic location: 9p23.
Variant type: single nucleotide variant.
Coding change: c.1422T>C on transcript NM_000550.3 (MANE Select); coding-DNA position 1422, T replaced by C.
Protein change: p.Ser474=; no amino-acid change (serine 474 retained).
Molecular consequence: synonymous variant.
Genome position (GRCh38, 1-based): chr9:12,708,990, T>C. VCF-style: chr9-12708990-T-C. GRCh37 (hg19) VCF-style: chr9-12708990-T-C.
Identifiers: ClinVar variation 1166949 (VCV001166949.20), dbSNP rs142864538, ClinGen allele CA4985585.

ClinVar aggregate classification (germline): Benign/Likely benign. Review status: criteria provided, multiple submitters, no conflicts (2 of 4 stars). 3 submissions from 3 submitters: Benign (2); Likely benign (1). Last evaluated 2025-11-27.

Allele frequency attached by ClinVar (database versions not stated): ExAC 0.00035; 1000 Genomes Project 30x 0.00047; 1000 Genomes Project 0.00060; gnomAD 0.00115 and 0.00126; TOPMed 0.00115; ESP Exome Variant Server 0.00138.
gnomAD v4.1: 320 of 1,612,508 alleles (0.02%); highest among the groups gnomAD compares: African/African-American, 0.39%; 1 homozygote.

Submissions (3):

Labcorp Genetics (formerly Invitae), Labcorp
Classification: Benign. Last evaluated: 2025-11-27. Review status: criteria provided, single submitter. Criteria: Invitae Variant Classification Sherloc (09022015). Collection method: clinical testing. Allele origin: germline.

CeGaT Center for Human Genetics Tuebingen
Classification: Likely benign. Last evaluated: 2025-05-01. Review status: criteria provided, single submitter. Criteria: CeGaT Center For Human Genetics Tuebingen Variant Classification Criteria Version 2. Collection method: clinical testing. Allele origin: germline. Affected: yes. Observed: 1 variant allele.
Comment: TYRP1: BP4, BP7

Blueprint Genetics
Classification: Benign. Last evaluated: 2024-08-06. Review status: criteria provided, single submitter. Criteria: ACMG Guidelines, 2015. Collection method: clinical testing. Allele origin: germline.